The following is an entry in ClinVar:

ClinVar aggregate classification (germline): Pathogenic. Review status: criteria provided, multiple submitters, no conflicts (2 of 4 stars). 2 submissions from 2 submitters: Pathogenic (2). Last evaluated 2023-02-11.

Conditions:
Hereditary breast ovarian cancer syndrome. Also called: Hereditary breast and ovarian cancer; Hereditary breast and ovarian cancer syndrome (HBOC); Breast and ovarian cancer; Hereditary breast and ovarian cancer syndrome; BRCA1- and BRCA2-Associated Hereditary Breast and Ovarian Cancer; Hereditary breast and/or ovarian cancer syndrome. Identifiers: Orphanet 145, MedGen C0677776, MeSH D061325, MONDO:0003582. Disease mechanism: loss of function.
Hereditary cancer-predisposing syndrome. Also called: Tumor predisposition; Neoplastic Syndromes, Hereditary; Hereditary neoplastic syndrome; Hereditary Cancer Syndrome. Identifiers: Orphanet 140162, MedGen C0027672, MeSH D009386, MONDO:0015356.

Submissions (2):

Labcorp Genetics (formerly Invitae), Labcorp
Classification: Pathogenic for Hereditary breast ovarian cancer syndrome. Last evaluated: 2023-02-11. Review status: criteria provided, single submitter. Criteria: Invitae Variant Classification Sherloc (09022015). Collection method: clinical testing. Allele origin: germline.
Comment: This sequence change creates a premature translational stop signal (p.Glu914Glnfs*7) in the BRCA1 gene. It is expected to result in an absent or disrupted protein product. Loss-of-function variants in BRCA1 are known to be pathogenic (PMID: 20104584). This variant is not present in population databases (gnomAD no frequency). This variant has not been reported in the literature in individuals affected with BRCA1-related conditions. ClinVar contains an entry for this variant (Variation ID: 630808). For these reasons, this variant has been classified as Pathogenic.

Color Diagnostics, LLC DBA Color Health
Classification: Pathogenic for Hereditary cancer-predisposing syndrome. Last evaluated: 2020-05-04. Review status: criteria provided, single submitter. Criteria: ACMG Guidelines, 2015. Collection method: clinical testing. Allele origin: germline.
Comment: This variant deletes 11 nucleotides in exon 10 of the BRCA1 gene, creating a frameshift and premature translation stop signal. This variant is expected to result in an absent or non-functional protein product. To our knowledge, this variant has not been reported in individuals affected with hereditary cancer in the literature. This variant has not been identified in the general population by the Genome Aggregation Database (gnomAD). Loss of BRCA1 function is a known mechanism of disease. Based on the available evidence, this variant is classified as Pathogenic.

Literature cited by the submitters: PubMed 20104584 (cited by Labcorp Genetics (formerly Invitae), Labcorp).

NM_007294.4(BRCA1):c.2740_2750del (p.Glu914fs)

Gene: BRCA1 (BRCA1 DNA repair associated; minus strand). Cytogenetic location: 17q21.31.
Variant type: Deletion.
Coding change: c.2740_2750del on transcript NM_007294.4 (MANE Select); coding-DNA positions 2740 to 2750, 11 bases deleted (GAGTCTAATAT).
Protein change: p.Glu914fs; shifts the reading frame from glutamic acid 914.
Molecular consequence: frameshift variant. On other transcripts: intron variant (137).
Genome position (GRCh38, 1-based): chr17:43,092,781-43,092,791, ATATTAGACTC deleted on the plus strand (GAGTCTAATAT on the coding strand, the reverse complement: BRCA1 is on the minus strand); deleting any 11 consecutive bases within chr17:43,092,781-43,092,793 gives the same sequence; the c. name uses the placement nearest the transcript's 3' end. VCF-style (leftmost placement, unchanged base first): chr17-43092780-GATATTAGACTC-G. GRCh37 (hg19) VCF-style: chr17-41244797-GATATTAGACTC-G.
Other names: c.2740_2750delGAGTCTAATAT (NM_007294.3); c.2527_2537del, p.Glu843fs (NM_001407571.1, NM_001407853.1, NM_001407894.1 and 9 more transcripts); c.2740_2750del, p.Glu914fs (NM_001407581.1, NM_001407582.1, NM_001407583.1 and 30 more transcripts); c.2737_2747del, p.Glu913fs (NM_001407587.1, NM_001407590.1, NM_001407591.1 and 22 more transcripts); c.2731_2741del, p.Glu911fs (NM_001407646.1, NM_001407647.1); c.2617_2627del, p.Glu873fs (NM_001407648.1, NM_001407664.1, NM_001407665.1 and 19 more transcripts); c.2614_2624del, p.Glu872fs (NM_001407649.1, NM_001407670.1, NM_001407671.1 and 11 more transcripts); c.2662_2672del, p.Glu888fs (NM_001407653.1, NM_001407654.1, NM_001407655.1 and 4 more transcripts); and 43 more; short protein forms E867fs, E914fs, E825fs, E826fs, E888fs, E786fs, E802fs, E803fs.
Identifiers: ClinVar variation 630808 (VCV000630808.11), dbSNP rs1567794393, ClinGen allele CA913187866.